The following is an entry in ClinVar:

NM_006269.2(RP1):c.1157C>G (p.Ser386Ter)

Gene: RP1 (RP1 axonemal microtubule associated; plus strand). Cytogenetic location: 8q12.1.
Variant type: single nucleotide variant.
Coding change: c.1157C>G on transcript NM_006269.2 (MANE Select); coding-DNA position 1157, C replaced by G.
Protein change: p.Ser386Ter; replaces serine 386 with a stop codon.
Molecular consequence: nonsense. On other transcripts: intron variant (1).
Genome position (GRCh38, 1-based): chr8:54,625,039, C>G. VCF-style: chr8-54625039-C-G. GRCh37 (hg19) VCF-style: chr8-55537599-C-G.
Other names: c.787+2751C>G (NM_001375654.1); short protein forms S386*.
Identifiers: ClinVar variation 3775864 (VCV003775864.1).

ClinVar aggregate classification (germline): Likely pathogenic (1 of 4 stars; one submission).

Conditions:
Retinitis pigmentosa 1 (RP1). Identifiers: Orphanet 791, MedGen C0220701, MONDO:0008377, OMIM 180100.

Submission:

3billion
Classification: Likely pathogenic for Retinitis pigmentosa 1. Last evaluated: 2023-12-19. Review status: criteria provided, single submitter. Criteria: ACMG Guidelines, 2015. Collection method: clinical testing. Allele origin: germline. Affected: yes.
Comment: The variant is not observed in the gnomAD v2.1.1 dataset. Predicted Consequence/Location: Stop-gained (nonsense): predicted to result in a loss or disruption of normal protein function through protein truncation. The predicted truncated protein may be shortened by more than 10%. Therefore, this variant is classified as Likely pathogenic according to the recommendation of ACMG/AMP guideline.